The following is an entry in ClinVar:

NM_173651.4(FSIP2):c.1134A>G (p.Lys378=)

Gene: FSIP2 (fibrous sheath interacting protein 2; plus strand). Cytogenetic location: 2q32.1.
Variant type: single nucleotide variant.
Coding change: c.1134A>G on transcript NM_173651.4 (MANE Select); coding-DNA position 1134, A replaced by G.
Protein change: p.Lys378=; no amino-acid change (lysine 378 retained).
Molecular consequence: synonymous variant.
Genome position (GRCh38, 1-based): chr2:185,761,043, A>G. VCF-style: chr2-185761043-A-G. GRCh37 (hg19) VCF-style: chr2-186625770-A-G.
Identifiers: ClinVar variation 3059608 (VCV003059608.2), dbSNP rs7562137, ClinGen allele CA2016499.

ClinVar aggregate classification (germline): Benign (0 of 4 stars; one submission).

Conditions:
FSIP2-related disorder. Also called: FSIP2-related condition.

Allele frequency attached by ClinVar (database versions not stated): TOPMed 0.53207; gnomAD exomes 0.53894; 1000 Genomes Project 30x 0.53904; 1000 Genomes Project 0.54034; gnomAD 0.54426; ExAC 0.58411.
gnomAD v4.1: 806,671 of 1,495,626 alleles (54%); highest among the groups gnomAD compares: South Asian, 64%; 220,168 homozygotes.

Submission:

PreventionGenetics, part of Exact Sciences
Classification: Benign for FSIP2-related condition. Last evaluated: 2019-10-17. Review status: no assertion criteria provided. Collection method: clinical testing. Allele origin: germline.
Comment: This variant is classified as benign based on ACMG/AMP sequence variant interpretation guidelines (Richards et al. 2015 PMID: 25741868, with internal and published modifications).